The following is an entry in ClinVar:

NM_000092.5(COL4A4):c.1087C>T (p.Leu363Phe)

Gene: COL4A4 (collagen type IV alpha 4 chain; minus strand). Cytogenetic location: 2q36.3.
Variant type: single nucleotide variant.
Coding change: c.1087C>T on transcript NM_000092.5 (MANE Select); coding-DNA position 1087, C replaced by T.
Protein change: p.Leu363Phe; replaces leucine 363 with phenylalanine.
Molecular consequence: missense variant.
Genome position (GRCh38, 1-based): chr2:227,099,632, G>A on the plus strand (C>T on the coding strand, the complement: COL4A4 is on the minus strand). VCF-style: chr2-227099632-G-A. GRCh37 (hg19) VCF-style: chr2-227964348-G-A.
Other names: short protein forms L363F.
Identifiers: ClinVar variation 2145436 (VCV002145436.2), dbSNP rs560819344, ClinGen allele CA66559074.

ClinVar aggregate classification (germline): Uncertain significance. Review status: criteria provided, multiple submitters, no conflicts (2 of 4 stars). 2 submissions from 2 submitters: Uncertain significance (2). Last evaluated 2024-09-20.

Conditions:
Inborn genetic diseases. Identifiers: MedGen C0950123, MeSH D030342.

Allele frequency attached by ClinVar (database versions not stated): gnomAD exomes 0.00001; TOPMed 0.00002; gnomAD 0.00003.
gnomAD v4.1: 20 of 1,613,998 alleles (0.0012%); highest among the groups gnomAD compares: Non-Finnish European, 0.0016%; no homozygotes.

Submissions (2):

Ambry Genetics
Classification: Uncertain significance for Inborn genetic diseases. Last evaluated: 2024-09-20. Review status: criteria provided, single submitter. Criteria: Ambry Variant Classification Scheme 2023. Collection method: clinical testing. Allele origin: germline.

Labcorp Genetics (formerly Invitae), Labcorp
Classification: Uncertain significance. Last evaluated: 2020-09-09. Review status: criteria provided, single submitter. Criteria: Invitae Variant Classification Sherloc (09022015). Collection method: clinical testing. Allele origin: germline.
Comment: This sequence change replaces leucine with phenylalanine at codon 363 of the COL4A4 protein (p.Leu363Phe). The leucine residue is weakly conserved and there is a small physicochemical difference between leucine and phenylalanine. This variant is not present in population databases (ExAC no frequency). This variant has not been reported in the literature in individuals with COL4A4-related conditions. Advanced modeling of protein sequence and biophysical properties (such as structural, functional, and spatial information, amino acid conservation, physicochemical variation, residue mobility, and thermodynamic stability) performed at Invitae indicates that this missense variant is not expected to disrupt COL4A4 protein function. In summary, the available evidence is currently insufficient to determine the role of this variant in disease. Therefore, it has been classified as a Variant of Uncertain Significance.